The following is an entry in ClinVar:

NM_001852.4(COL9A2):c.91G>C (p.Glu31Gln)

Genes: COL9A2 (collagen type IX alpha 2 chain; minus strand), LOC129930261 (ATAC-STARR-seq lymphoblastoid silent region 724; plus strand). Cytogenetic location: 1p34.2.
Variant type: single nucleotide variant.
Coding change: c.91G>C on transcript NM_001852.4 (MANE Select); coding-DNA position 91, G replaced by C.
Protein change: p.Glu31Gln; replaces glutamic acid 31 with glutamine.
Molecular consequence: missense variant.
Genome position (GRCh38, 1-based): chr1:40,315,649, C>G on the plus strand (G>C on the coding strand, the complement: COL9A2 is on the minus strand). VCF-style: chr1-40315649-C-G. GRCh37 (hg19) VCF-style: chr1-40781321-C-G.
Other names: short protein forms E31Q.
Identifiers: ClinVar variation 3698791 (VCV003698791.2).
Genomic context (GRCh38, chr1:40,315,649, plus strand): 5'-CGTCGATGCCGTCGGATCCAGGCACTCCCGGCGGTCCCGGGGGACCCGGGGGGCCCCGCT[C>G]TCCCGGTGGACCTCTCTGAAAAACACACACGGGGTGGGGCAGTCCTCAGACAGTGCAGGA-3'
Protein context (NP_001843.1, residues 21-41): ALAQIRGPPG[Glu31Gln]RGPPGPPGPP

ClinVar aggregate classification (germline): Uncertain significance (1 of 4 stars; one submission).

gnomAD v4.1: 1 of 1,554,046 alleles (0.000064%); highest among the groups gnomAD compares: Non-Finnish European, 0.000087%; no homozygotes.

Submission:

Labcorp Genetics (formerly Invitae), Labcorp
Classification: Uncertain significance. Last evaluated: 2024-04-16. Review status: criteria provided, single submitter. Criteria: Invitae Variant Classification Sherloc (09022015). Collection method: clinical testing. Allele origin: germline.
Comment: This sequence change replaces glutamic acid, which is acidic and polar, with glutamine, which is neutral and polar, at codon 31 of the COL9A2 protein (p.Glu31Gln). This variant is not present in population databases (gnomAD no frequency). This variant has not been reported in the literature in individuals affected with COL9A2-related conditions. Advanced modeling of protein sequence and biophysical properties (such as structural, functional, and spatial information, amino acid conservation, physicochemical variation, residue mobility, and thermodynamic stability) performed at Invitae indicates that this missense variant is not expected to disrupt COL9A2 protein function with a negative predictive value of 95%. In summary, the available evidence is currently insufficient to determine the role of this variant in disease. Therefore, it has been classified as a Variant of Uncertain Significance.